The following is an entry in ClinVar:

ClinVar aggregate classification (germline): Likely benign (0 of 4 stars; one submission).

Conditions:
LRP1-related disorder. Also called: LRP1-related condition.

Submission:

PreventionGenetics, part of Exact Sciences
Classification: Likely benign for LRP1-related condition. Last evaluated: 2019-12-23. Review status: no assertion criteria provided. Collection method: clinical testing. Allele origin: germline.
Comment: This variant is classified as likely benign based on ACMG/AMP sequence variant interpretation guidelines (Richards et al. 2015 PMID: 25741868, with internal and published modifications).

NM_002332.3(LRP1):c.10711+7_10711+8insGC

Gene: LRP1 (LDL receptor related protein 1; plus strand). Cytogenetic location: 12q13.3.
Variant type: Insertion.
Coding change: c.10711+7_10711+8insGC on transcript NM_002332.3 (MANE Select); bases 7 to 8 of the intron after coding-DNA position 10711, GC inserted.
Molecular consequence: intron variant.
Genome position: GRCh38 VCF-style: chr12-57202543-T-TCG. GRCh37 (hg19) VCF-style: chr12-57596326-T-TCG.
Identifiers: ClinVar variation 3048905 (VCV003048905.2), dbSNP rs2548086043, ClinGen allele CA2740092398.
Genomic context (GRCh38, chr12:57,202,543, plus strand): 5'-TGGCAGTGCGACTACGACAACGATTGCGGTGACAACTCCGATGAAGAGAGCTGCAGTACG[T>TCG]CCCCACCCACCCAGCCCCGCATGAGCCCCTCCCAGGCCTGGCCCTTGTCTCGCGGCCCTC-3'